The following is an entry in ClinVar:

ClinVar aggregate classification (germline): Uncertain significance (1 of 4 stars; one submission).

Submission:

Women's Health and Genetics/Laboratory Corporation of America, LabCorp
Classification: Uncertain significance. Last evaluated: 2026-05-29. Review status: criteria provided, single submitter. Criteria: LabCorp Variant Classification Summary - May 2015. Collection method: clinical testing. Allele origin: germline.
Comment: Variant summary: TAOK1 c.2702G>A (p.Ser901Asn) results in a conservative amino acid change in the encoded protein sequence. Algorithms developed to predict the effect of missense changes on protein structure and function are either unavailable or do not agree on the potential impact of this missense change. The variant was absent in 251482 control chromosomes. The available data on variant occurrences in the general population are insufficient to allow any conclusion about variant significance. To our knowledge, no occurrence of c.2702G>A in individuals affected with TAOK1-related conditions and no experimental evidence demonstrating its impact on protein function have been reported. No submitters have cited clinical-significance assessments for this variant to ClinVar. Based on the evidence outlined above, the variant was classified as uncertain significance.

NM_020791.4(TAOK1):c.2702G>A (p.Ser901Asn)

Gene: TAOK1 (TAO kinase 1; plus strand). Cytogenetic location: 17q11.2.
Variant type: single nucleotide variant.
Coding change: c.2702G>A on transcript NM_020791.4 (MANE Select); coding-DNA position 2702, G replaced by A.
Protein change: p.Ser901Asn; replaces serine 901 with asparagine.
Molecular consequence: missense variant.
Genome position (GRCh38, 1-based): chr17:29,542,718, G>A. VCF-style: chr17-29542718-G-A. GRCh37 (hg19) VCF-style: chr17-27869736-G-A.
Other names: c.2258G>A, p.Ser753Asn (NM_025142.1); short protein forms S753N, S901N.
Identifiers: ClinVar variation 4853739 (VCV004853739.1).
Genomic context (GRCh38, chr17:29,542,718, plus strand): 5'-AAAGCATGAGACTAGGTTTTAGTAATATGGTCCTTTCTAATCTCTCCCCTGAGGCATTCA[G>A]CCACAGCTACCCGGGAGCTTCTGGTTGGTCACACAACCCTACTGGGGGTCCAGGACCTCA-3'
Protein context (NP_065842.1, residues 891-911): VLSNLSPEAF[Ser901Asn]HSYPGASGWS